The following is an entry in ClinVar:

NM_005876.5(SPEG):c.5056G>A (p.Ala1686Thr)

Gene: SPEG (striated muscle enriched protein kinase; plus strand). Cytogenetic location: 2q35.
Variant type: single nucleotide variant.
Coding change: c.5056G>A on transcript NM_005876.5 (MANE Select); coding-DNA position 5056, G replaced by A.
Protein change: p.Ala1686Thr; replaces alanine 1686 with threonine.
Molecular consequence: missense variant.
Genome position (GRCh38, 1-based): chr2:219,479,172, G>A. VCF-style: chr2-219479172-G-A. GRCh37 (hg19) VCF-style: chr2-220343894-G-A.
Other names: c.5056G>A (NM_005876.4); short protein forms A1686T.
Identifiers: ClinVar variation 1402738 (VCV001402738.6), dbSNP rs757402785, ClinGen allele CA2126721.

ClinVar aggregate classification (germline): Uncertain significance. Review status: criteria provided, multiple submitters, no conflicts (2 of 4 stars). 2 submissions from 2 submitters: Uncertain significance (2). Last evaluated 2022-05-04.

Conditions:
Inborn genetic diseases. Identifiers: MedGen C0950123, MeSH D030342.

Allele frequency attached by ClinVar (database versions not stated): gnomAD 0.00001; gnomAD exomes 0.00002 and 0.00004; ExAC 0.00005.

Submissions (2):

Ambry Genetics
Classification: Uncertain significance for Inborn genetic diseases. Last evaluated: 2022-05-04. Review status: criteria provided, single submitter. Criteria: Ambry Variant Classification Scheme 2023. Collection method: clinical testing. Allele origin: germline.

Labcorp Genetics (formerly Invitae), Labcorp
Classification: Uncertain significance. Last evaluated: 2021-12-11. Review status: criteria provided, single submitter. Criteria: Invitae Variant Classification Sherloc (09022015). Collection method: clinical testing. Allele origin: germline.
Comment: This variant is present in population databases (rs757402785, gnomAD 0.02%). In summary, the available evidence is currently insufficient to determine the role of this variant in disease. Therefore, it has been classified as a Variant of Uncertain Significance. Algorithms developed to predict the effect of missense changes on protein structure and function are either unavailable or do not agree on the potential impact of this missense change (SIFT: "Deleterious"; PolyPhen-2: "Benign"; Align-GVGD: "Class C55"). This variant has not been reported in the literature in individuals affected with SPEG-related conditions. This sequence change replaces alanine, which is neutral and non-polar, with threonine, which is neutral and polar, at codon 1686 of the SPEG protein (p.Ala1686Thr).